The following is an entry in ClinVar:

NM_024603.4(BEND5):c.1035C>T (p.Gly345=)

Genes: AGBL4 (AGBL carboxypeptidase 4; minus strand), BEND5 (BEN domain containing 5; minus strand). Cytogenetic location: 1p33.
Variant type: single nucleotide variant.
Coding change: c.1035C>T on transcript NM_024603.4 (MANE Select); coding-DNA position 1035, C replaced by T.
Protein change: p.Gly345=; no amino-acid change (glycine 345 retained).
Molecular consequence: synonymous variant. On other transcripts: non-coding transcript variant (1), intron variant (4).
Genome position (GRCh38, 1-based): chr1:48,736,312, G>A on the plus strand (C>T on the coding strand, the complement: BEND5 is on the minus strand). VCF-style: chr1-48736312-G-A. GRCh37 (hg19) VCF-style: chr1-49201984-G-A.
Other names: c.528C>T, p.Gly176= (NM_001302082.2, NM_001349793.2, NM_001349794.2); c.780C>T, p.Gly260= (NM_001349795.2); c.635-73071C>T (NM_001323575.2, NM_032785.4); c.671-73071C>T (NM_001323573.2, NM_001323574.2).
Identifiers: ClinVar variation 2638810 (VCV002638810.24), dbSNP rs114450193, ClinGen allele CA844918.

ClinVar aggregate classification (germline): Likely benign (1 of 4 stars; one submission).

Allele frequency attached by ClinVar (database versions not stated): 1000 Genomes Project 30x 0.00109; 1000 Genomes Project 0.00140; ExAC 0.00224; gnomAD 0.00263; TOPMed 0.00291; ESP Exome Variant Server 0.00361; gnomAD exomes 0.00396.
gnomAD v4.1: 6,099 of 1,614,010 alleles (0.38%); highest among the groups gnomAD compares: Non-Finnish European, 0.48%; 21 homozygotes.

Submission:

CeGaT Center for Human Genetics Tuebingen
Classification: Likely benign. Last evaluated: 2023-03-01. Review status: criteria provided, single submitter. Criteria: CeGaT Center For Human Genetics Tuebingen Variant Classification Criteria Version 2. Collection method: clinical testing. Allele origin: germline. Affected: yes. Observed: 1 variant allele.
Comment: BEND5: BP4, BP7